The following is an entry in ClinVar:

ClinVar aggregate classification (germline): Uncertain significance (1 of 4 stars; one submission).

Conditions:
Mowat-Wilson syndrome (MOWS). Also called: Classic Mowat-Wilson Syndrome. Identifiers: Orphanet 2152, MedGen C1856113, MONDO:0009341, OMIM 235730.

Allele frequency attached by ClinVar (database versions not stated): TOPMed below 0.00001.
gnomAD v4.1: 3 of 1,614,072 alleles (0.00019%); highest among the groups gnomAD compares: Non-Finnish European, 0.00025%; no homozygotes.

Submission:

Labcorp Genetics (formerly Invitae), Labcorp
Classification: Uncertain significance for Mowat-Wilson syndrome. Last evaluated: 2024-04-12. Review status: criteria provided, single submitter. Criteria: Invitae Variant Classification Sherloc (09022015). Collection method: clinical testing. Allele origin: germline.
Comment: This sequence change replaces proline, which is neutral and non-polar, with histidine, which is basic and polar, at codon 893 of the ZEB2 protein (p.Pro893His). This variant is present in population databases (no rsID available, gnomAD 0.0009%). This variant has not been reported in the literature in individuals affected with ZEB2-related conditions. Advanced modeling of protein sequence and biophysical properties (such as structural, functional, and spatial information, amino acid conservation, physicochemical variation, residue mobility, and thermodynamic stability) performed at Invitae indicates that this missense variant is not expected to disrupt ZEB2 protein function with a negative predictive value of 80%. In summary, the available evidence is currently insufficient to determine the role of this variant in disease. Therefore, it has been classified as a Variant of Uncertain Significance.

NM_014795.4(ZEB2):c.2678C>A (p.Pro893His)

Gene: ZEB2 (zinc finger E-box binding homeobox 2; minus strand). Cytogenetic location: 2q22.3.
Variant type: single nucleotide variant.
Coding change: c.2678C>A on transcript NM_014795.4 (MANE Select); coding-DNA position 2678, C replaced by A.
Protein change: p.Pro893His; replaces proline 893 with histidine.
Molecular consequence: missense variant.
Genome position (GRCh38, 1-based): chr2:144,398,509, G>T on the plus strand (C>A on the coding strand, the complement: ZEB2 is on the minus strand). VCF-style: chr2-144398509-G-T. GRCh37 (hg19) VCF-style: chr2-145156076-G-T.
Other names: c.2606C>A, p.Pro869His (NM_001171653.2); short protein forms P893H, P869H.
Identifiers: ClinVar variation 2910070 (VCV002910070.3), dbSNP rs1470387877, ClinGen allele CA348707441.